The following is an entry in ClinVar:

NM_002439.5(MSH3):c.762T>A (p.Tyr254Ter)

Gene: MSH3 (mutS homolog 3; plus strand). Cytogenetic location: 5q14.1.
Variant type: single nucleotide variant.
Coding change: c.762T>A on transcript NM_002439.5 (MANE Select); coding-DNA position 762, T replaced by A.
Protein change: p.Tyr254Ter; replaces tyrosine 254 with a stop codon.
Molecular consequence: nonsense.
Genome position (GRCh38, 1-based): chr5:80,670,279, T>A. VCF-style: chr5-80670279-T-A. GRCh37 (hg19) VCF-style: chr5-79966098-T-A.
Other names: short protein forms Y254*.
Identifiers: ClinVar variation 1358379 (VCV001358379.8), dbSNP rs1749675730, ClinGen allele CA360266965.
Genomic context (GRCh38, chr5:80,670,279, plus strand): 5'-ACAATACATAGAAATGAAGCAGCAGCACAAAGATGCAGTTTTGTGTGTGGAATGTGGATA[T>A]AAGTATAGATTCTTTGGGGAAGATGCAGAGGTAAGTCGTCTTTTCAGGCACTATTTTATA-3'

ClinVar aggregate classification (germline): Pathogenic. Review status: criteria provided, multiple submitters, no conflicts (2 of 4 stars). 2 submissions from 2 submitters: Pathogenic (2). Last evaluated 2023-08-23.

Conditions:
Hereditary cancer-predisposing syndrome. Also called: Tumor predisposition; Hereditary neoplastic syndrome; Neoplastic Syndromes, Hereditary; Hereditary Cancer Syndrome. Identifiers: Orphanet 140162, MedGen C0027672, MeSH D009386, MONDO:0015356.

gnomAD v4.1: 1 of 1,614,152 alleles (0.000062%); highest among the groups gnomAD compares: East Asian, 0.0022%; no homozygotes.

Submissions (2):

Labcorp Genetics (formerly Invitae), Labcorp
Classification: Pathogenic. Last evaluated: 2023-08-23. Review status: criteria provided, single submitter. Criteria: Invitae Variant Classification Sherloc (09022015). Collection method: clinical testing. Allele origin: germline.
Comment: This sequence change creates a premature translational stop signal (p.Tyr254*) in the MSH3 gene. It is expected to result in an absent or disrupted protein product. Loss-of-function variants in MSH3 are known to be pathogenic (PMID: 27476653, 37402566). This variant is not present in population databases (gnomAD no frequency). This variant has not been reported in the literature in individuals affected with MSH3-related conditions. For these reasons, this variant has been classified as Pathogenic. ClinVar contains an entry for this variant (Variation ID: 1358379).

Ambry Genetics
Classification: Pathogenic for Hereditary cancer-predisposing syndrome. Last evaluated: 2020-09-01. Review status: criteria provided, single submitter. Criteria: Ambry Variant Classification Scheme 2023. Collection method: clinical testing. Allele origin: germline.
Comment: The p.Y254* pathogenic mutation (also known as c.762T>A), located in coding exon 4 of the MSH3 gene, results from a T to A substitution at nucleotide position 762. This changes the amino acid from a tyrosine to a stop codon within coding exon 4. This alteration is expected to result in loss of function by premature protein truncation or nonsense-mediated mRNA decay. As such, this alteration is interpreted as a disease-causing mutation.

Literature cited by the submitters: PubMed 27476653 (cited by Labcorp Genetics (formerly Invitae), Labcorp); PubMed 37402566 (cited by Labcorp Genetics (formerly Invitae), Labcorp).